The following is an entry in ClinVar:

ClinVar aggregate classification (germline): Conflicting classifications of pathogenicity. Review status: criteria provided, conflicting classifications (1 of 4 stars). 2 submissions from 2 submitters: Uncertain significance (1); Likely benign (1). Last evaluated 2024-11-13.

Allele frequency attached by ClinVar (database versions not stated): gnomAD exomes below 0.00001; gnomAD 0.00003; TOPMed 0.00003.
gnomAD v4.1: 22 of 1,613,948 alleles (0.0014%); highest among the groups gnomAD compares: Non-Finnish European, 0.0017%; no homozygotes.

Submissions (2):

Ambry Genetics
Classification: Uncertain significance. Last evaluated: 2024-11-13. Review status: criteria provided, single submitter. Criteria: Ambry Variant Classification Scheme 2023. Collection method: clinical testing. Allele origin: germline.

GeneDx
Classification: Likely benign. Last evaluated: 2014-06-05. Review status: criteria provided, single submitter. Criteria: GeneDx Variant Classification (06012015). Collection method: clinical testing. Allele origin: germline. Affected: yes.
Comment: This variant is considered likely benign or benign based on one or more of the following criteria: it is a conservative change, it occurs at a poorly conserved position in the protein, it is predicted to be benign by multiple in silico algorithms, and/or has population frequency not consistent with disease.

NM_020117.11(LARS1):c.1545G>A (p.Met515Ile)

Gene: LARS1 (leucyl-tRNA synthetase 1; minus strand). Cytogenetic location: 5q32.
Variant type: single nucleotide variant.
Coding change: c.1545G>A on transcript NM_020117.11 (MANE Select); coding-DNA position 1545, G replaced by A.
Protein change: p.Met515Ile; replaces methionine 515 with isoleucine.
Molecular consequence: missense variant.
Genome position (GRCh38, 1-based): chr5:146,144,668, C>T on the plus strand (G>A on the coding strand, the complement: LARS1 is on the minus strand). VCF-style: chr5-146144668-C-T. GRCh37 (hg19) VCF-style: chr5-145524231-C-T.
Other names: p.M515I:ATG>ATA; c.1407G>A, p.Met469Ile (NM_001317964.2); c.1383G>A, p.Met461Ile (NM_001317965.2); c.1464G>A, p.Met488Ile (NM_016460.4); short protein forms M515I, M461I, M469I, M488I.
Identifiers: ClinVar variation 214559 (VCV000214559.2), dbSNP rs863224045, ClinGen allele CA322764.
Genomic context (GRCh38, chr5:146,144,668, plus strand): 5'-GCTATAAGAGACTAACCACTGGTCACACAGAGCCACAACACATTCATCTGACGACCTGGA[C>T]ATCACTTGTTTCTCTGGTTCCATGTAAATAAGTGCATCTCCCTAAAGGAAGGTAAATAAA-3'
Protein context (NP_064502.9, residues 505-525): LIYMEPEKQV[Met515Ile]SRSSDECVVA